The following is an entry in ClinVar:

NM_033419.5(PGAP3):c.371G>A (p.Arg124His)

Gene: PGAP3 (post-GPI attachment to proteins phospholipase 3; minus strand). Cytogenetic location: 17q12.
Variant type: single nucleotide variant.
Coding change: c.371G>A on transcript NM_033419.5 (MANE Select); coding-DNA position 371, G replaced by A.
Protein change: p.Arg124His; replaces arginine 124 with histidine.
Molecular consequence: missense variant. On other transcripts: intron variant (1).
Genome position (GRCh38, 1-based): chr17:39,684,658, C>T on the plus strand (G>A on the coding strand, the complement: PGAP3 is on the minus strand). VCF-style: chr17-39684658-C-T. GRCh37 (hg19) VCF-style: chr17-37840911-C-T.
Other names: c.371G>A, p.Arg124His (NM_001291728.2, NM_001291730.2, NM_001291732.2 and 1 more transcripts); c.279+1264G>A (NM_001291726.2); c.371G>A (NM_033419.4, NM_033419.3); short protein forms R124H.
Identifiers: ClinVar variation 2046278 (VCV002046278.4), dbSNP rs770428375, ClinGen allele CA8533385.

ClinVar aggregate classification (germline): Uncertain significance. Review status: criteria provided, multiple submitters, no conflicts (2 of 4 stars). 3 submissions from 3 submitters: Uncertain significance (2). 1 of the submissions does not count toward it. Last evaluated 2025-08-16.

Conditions:
PGAP3-related disorder. Also called: PGAP3-related condition.

Allele frequency attached by ClinVar (database versions not stated): gnomAD 0.00004; gnomAD exomes 0.00006; TOPMed 0.00015; ExAC 0.00019.
gnomAD v4.1: 94 of 1,613,902 alleles (0.0058%); highest among the groups gnomAD compares: Admixed American, 0.14%; no homozygotes.

Submissions (3):

GeneDx
Classification: Uncertain significance. Last evaluated: 2025-08-16. Review status: criteria provided, single submitter. Criteria: GeneDx Variant Classification Process June 2021. Collection method: clinical testing. Allele origin: germline. Affected: yes.
Comment: In silico analysis supports that this missense variant has a deleterious effect on protein structure/function; Has not been previously published as pathogenic or benign to our knowledge

Labcorp Genetics (formerly Invitae), Labcorp
Classification: Uncertain significance. Last evaluated: 2022-08-12. Review status: criteria provided, single submitter. Criteria: Invitae Variant Classification Sherloc (09022015). Collection method: clinical testing. Allele origin: germline.
Comment: This sequence change replaces arginine, which is basic and polar, with histidine, which is basic and polar, at codon 124 of the PGAP3 protein (p.Arg124His). The frequency data for this variant in the population databases is considered unreliable, as metrics indicate poor data quality at this position in the gnomAD database. This variant has not been reported in the literature in individuals affected with PGAP3-related conditions. Algorithms developed to predict the effect of missense changes on protein structure and function output the following: SIFT: "Deleterious"; PolyPhen-2: "Benign"; Align-GVGD: "Class C0". The histidine amino acid residue is found in multiple mammalian species, which suggests that this missense change does not adversely affect protein function. In summary, the available evidence is currently insufficient to determine the role of this variant in disease. Therefore, it has been classified as a Variant of Uncertain Significance.

PreventionGenetics, part of Exact Sciences
Classification: Likely benign for PGAP3-related condition. Last evaluated: 2022-06-07. Review status: no assertion criteria provided. Collection method: clinical testing. Allele origin: germline. Not counted in ClinVar's aggregate classification.
Comment: This variant is classified as likely benign based on ACMG/AMP sequence variant interpretation guidelines (Richards et al. 2015 PMID: 25741868, with internal and published modifications).